The following is an entry in ClinVar:

NM_000539.3(RHO):c.956C>T (p.Thr319Ile)

Gene: RHO (rhodopsin; plus strand). Cytogenetic location: 3q22.1.
Variant type: single nucleotide variant.
Coding change: c.956C>T on transcript NM_000539.3 (MANE Select); coding-DNA position 956, C replaced by T.
Protein change: p.Thr319Ile; replaces threonine 319 with isoleucine.
Molecular consequence: missense variant.
Genome position (GRCh38, 1-based): chr3:129,533,627, C>T. VCF-style: chr3-129533627-C-T. GRCh37 (hg19) VCF-style: chr3-129252470-C-T.
Other names: short protein forms T319I.
Identifiers: ClinVar variation 3648058 (VCV003648058.2).
Genomic context (GRCh38, chr3:129,533,627, plus strand): 5'-GTGGGCAGCCCTGGCCCTGACTCAAGCCTCTTGCCTTCCAGTTCCGGAACTGCATGCTCA[C>T]CACCATCTGCTGCGGCAAGAACCCACTGGGTGACGATGAGGCCTCTGCTACCGTGTCCAA-3'
Protein context (NP_000530.1, residues 309-329): MNKQFRNCML[Thr319Ile]TICCGKNPLG

ClinVar aggregate classification (germline): Uncertain significance (1 of 4 stars; one submission).

Submission:

Labcorp Genetics (formerly Invitae), Labcorp
Classification: Uncertain significance. Last evaluated: 2024-04-03. Review status: criteria provided, single submitter. Criteria: Invitae Variant Classification Sherloc (09022015). Collection method: clinical testing. Allele origin: germline.
Comment: This sequence change replaces threonine, which is neutral and polar, with isoleucine, which is neutral and non-polar, at codon 319 of the RHO protein (p.Thr319Ile). This variant is not present in population databases (gnomAD no frequency). This variant has not been reported in the literature in individuals affected with RHO-related conditions. Advanced modeling of protein sequence and biophysical properties (such as structural, functional, and spatial information, amino acid conservation, physicochemical variation, residue mobility, and thermodynamic stability) performed at Invitae indicates that this missense variant is not expected to disrupt RHO protein function with a negative predictive value of 80%. In summary, the available evidence is currently insufficient to determine the role of this variant in disease. Therefore, it has been classified as a Variant of Uncertain Significance.